The following is an entry in ClinVar:

ClinVar aggregate classification (germline): Uncertain significance (1 of 4 stars; one submission).

Conditions:
Conotruncal heart malformations (CTHM). Also called: Conotruncal heart malformations, variable. Identifiers: Orphanet 2445, Orphanet 3384, Orphanet 3426, MedGen C1857586, MONDO:0016581, OMIM 217095.

Allele frequency attached by ClinVar (database versions not stated): ExAC 0.00012; gnomAD 0.00015; TOPMed 0.00016; gnomAD exomes 0.00028; ESP Exome Variant Server 0.00044.
gnomAD v4.1: 447 of 1,572,622 alleles (0.028%); highest among the groups gnomAD compares: Non-Finnish European, 0.034%; no homozygotes.

Submission:

Labcorp Genetics (formerly Invitae), Labcorp
Classification: Uncertain significance for Conotruncal heart malformations. Last evaluated: 2025-12-10. Review status: criteria provided, single submitter. Criteria: Invitae Variant Classification Sherloc (09022015). Collection method: clinical testing. Allele origin: germline.
Comment: This sequence change replaces threonine, which is neutral and polar, with methionine, which is neutral and non-polar, at codon 174 of the NKX2-6 protein (p.Thr174Met). This variant is present in population databases (rs372045387, gnomAD 0.01%). This variant has not been reported in the literature in individuals affected with NKX2-6-related conditions. ClinVar contains an entry for this variant (Variation ID: 2750660). Invitae Evidence Modeling of protein sequence and biophysical properties (such as structural, functional, and spatial information, amino acid conservation, physicochemical variation, residue mobility, and thermodynamic stability) indicates that this missense variant is expected to disrupt NKX2-6 protein function with a positive predictive value of 80%. In summary, the available evidence is currently insufficient to determine the role of this variant in disease. Therefore, it has been classified as a Variant of Uncertain Significance.

NM_001136271.3(NKX2-6):c.521C>T (p.Thr174Met)

Gene: NKX2-6 (NK2 homeobox 6; minus strand). Cytogenetic location: 8p21.2.
Variant type: single nucleotide variant.
Coding change: c.521C>T on transcript NM_001136271.3 (MANE Select); coding-DNA position 521, C replaced by T.
Protein change: p.Thr174Met; replaces threonine 174 with methionine.
Molecular consequence: missense variant.
Genome position (GRCh38, 1-based): chr8:23,702,836, G>A on the plus strand (C>T on the coding strand, the complement: NKX2-6 is on the minus strand). VCF-style: chr8-23702836-G-A. GRCh37 (hg19) VCF-style: chr8-23560349-G-A.
Other names: short protein forms T174M.
Identifiers: ClinVar variation 2750660 (VCV002750660.3), dbSNP rs372045387, ClinGen allele CA4677966.